The following is an entry in ClinVar:

ClinVar aggregate classification (germline): Uncertain significance (1 of 4 stars; one submission).

Conditions:
Peroxisome biogenesis disorder. Identifiers: Orphanet 79189, MedGen C1832200, MONDO:0019234. Disease mechanism: loss of function.

Submission:

Labcorp Genetics (formerly Invitae), Labcorp
Classification: Uncertain significance for Peroxisome biogenesis disorder. Last evaluated: 2021-05-07. Review status: criteria provided, single submitter. Criteria: Invitae Variant Classification Sherloc (09022015). Collection method: clinical testing. Allele origin: germline.
Comment: In summary, the available evidence is currently insufficient to determine the role of this variant in disease. Therefore, it has been classified as a Variant of Uncertain Significance. Nucleotide substitutions within the consensus splice site are a relatively common cause of aberrant splicing (PMID: 17576681, 9536098). Algorithms developed to predict the effect of sequence changes on RNA splicing suggest that this variant may disrupt the consensus splice site, but this prediction has not been confirmed by published transcriptional studies. This variant has not been reported in the literature in individuals with PEX16-related conditions. This variant is not present in population databases (ExAC no frequency). This sequence change falls in intron 10 of the PEX16 gene. It does not directly change the encoded amino acid sequence of the PEX16 protein. It affects a nucleotide within the consensus splice site of the intron.

Literature cited by the submitters: PubMed 17576681; PubMed 9536098.

NM_004813.4(PEX16):c.952+3A>C

Gene: PEX16 (peroxisomal biogenesis factor 16; minus strand). Cytogenetic location: 11p11.2.
Variant type: single nucleotide variant.
Coding change: c.952+3A>C on transcript NM_004813.4 (MANE Select); 3 bases into the intron after coding-DNA position 952, A replaced by C.
Molecular consequence: intron variant.
Genome position (GRCh38, 1-based): chr11:45,910,895, T>G on the plus strand (A>C on the coding strand, the complement: PEX16 is on the minus strand). VCF-style: chr11-45910895-T-G. GRCh37 (hg19) VCF-style: chr11-45932446-T-G.
Other names: c.952+3A>C (NM_057174.3).
Identifiers: ClinVar variation 1501585 (VCV001501585.5), dbSNP rs2134686616, ClinGen allele CA2573146327.